The following is an entry in ClinVar:

ClinVar aggregate classification (germline): Conflicting classifications of pathogenicity. Review status: criteria provided, conflicting classifications (1 of 4 stars). 5 submissions from 4 submitters: Uncertain significance (4); Benign (1). Last evaluated 2024-06-26.

Conditions:
Adams-Oliver syndrome 5 (AOS5). Identifiers: Orphanet 974, MedGen C4014970, MONDO:0014459, OMIM 616028.
Familial thoracic aortic aneurysm and aortic dissection (TAAD). Also called: Thoracic aortic aneurysms and dissections. Identifiers: Orphanet 91387, MedGen C4707243, MONDO:0019625.
Aortic valve disease 1 (AOVD1). Identifiers: MedGen C3887892, MONDO:0024523, OMIM 109730.

gnomAD v4.1: 24 of 1,561,060 alleles (0.0015%); highest among the groups gnomAD compares: East Asian, 0.0095%; no homozygotes.

Submissions (5):

Ambry Genetics
Classification: Uncertain significance for Familial thoracic aortic aneurysm and aortic dissection. Last evaluated: 2024-06-26. Review status: criteria provided, single submitter. Criteria: Ambry Variant Classification Scheme 2023. Collection method: clinical testing. Allele origin: germline.
Comment: The p.D571N variant (also known as c.1711G>A), located in coding exon 11 of the NOTCH1 gene, results from a G to A substitution at nucleotide position 1711. The aspartic acid at codon 571 is replaced by asparagine, an amino acid with highly similar properties. This amino acid position is conserved. In addition, this alteration is predicted to be tolerated by in silico analysis. Since supporting evidence is limited at this time, the clinical significance of this alteration remains unclear.

Labcorp Genetics (formerly Invitae), Labcorp
Classification: Benign for Adams-Oliver syndrome 5. Last evaluated: 2022-10-13. Review status: criteria provided, single submitter. Criteria: Invitae Variant Classification Sherloc (09022015). Collection method: clinical testing. Allele origin: germline.

Genome-Nilou Lab
Classification: Uncertain significance for Adams-Oliver syndrome 5. Last evaluated: 2022-03-15. Review status: criteria provided, single submitter. Criteria: ACMG Guidelines, 2015. Collection method: clinical testing. Allele origin: germline. Affected: no.

Genome-Nilou Lab
Classification: Uncertain significance for Aortic valve disease 1. Last evaluated: 2022-03-15. Review status: criteria provided, single submitter. Criteria: ACMG Guidelines, 2015. Collection method: clinical testing. Allele origin: germline. Affected: no.

GeneDx
Classification: Uncertain significance. Last evaluated: 2017-05-23. Review status: criteria provided, single submitter. Criteria: GeneDx Variant Classification (06012015). Collection method: clinical testing. Allele origin: germline. Affected: yes.
Comment: A variant of uncertain significance has been identified in the NOTCH1 gene. The D571N variant has not been published as pathogenic or been reported as benign to our knowledge. Additionally, this variant is not observed in large population cohorts (Lek et al., 2016; 1000 Genomes Consortium et al., 2015; Exome Variant Server). The D571N variant is a semi-conservative amino acid substitution, which may impact secondary protein structure as these residues differ in some properties. However, this substitution occurs at a position not conserved across species and asparagine (N) is the wild-type residue at this position in at least one non-mammalian species. Finally, in silico analysis predicts this variant likely does not alter the protein structure/function.

NM_017617.5(NOTCH1):c.1711G>A (p.Asp571Asn)

Gene: NOTCH1 (notch receptor 1; minus strand). Cytogenetic location: 9q34.3.
Variant type: single nucleotide variant.
Coding change: c.1711G>A on transcript NM_017617.5 (MANE Select); coding-DNA position 1711, G replaced by A.
Protein change: p.Asp571Asn; replaces aspartic acid 571 with asparagine.
Molecular consequence: missense variant.
Genome position (GRCh38, 1-based): chr9:136,515,675, C>T on the plus strand (G>A on the coding strand, the complement: NOTCH1 is on the minus strand). VCF-style: chr9-136515675-C-T. GRCh37 (hg19) VCF-style: chr9-139410127-C-T.
Other names: c.1711G>A, p.Asp571Asn (LRG_1122t1); short protein forms D571N.
Identifiers: ClinVar variation 430538 (VCV000430538.17), dbSNP rs373125283, ClinGen allele CA375560379.
Genomic context (GRCh38, chr9:136,515,675, plus strand): 5'-AGAGGCAGGTGAAGGTGGCGACGCCGTCCTTGCAGGAGCCGTAGTGGCAGGGGTCGGGGT[C>T]GCACTCATCGATGTCCACCTCGCAGTGCGTCCCCGTGTACCCTGGACCGTGGGAGGGGCG-3'
Protein context (NP_060087.3, residues 561-581): THCEVDIDEC[Asp571Asn]PDPCHYGSCK